The following is an entry in ClinVar:

NM_004304.5(ALK):c.2266G>A (p.Gly756Ser)

Gene: ALK (ALK receptor tyrosine kinase; minus strand). Cytogenetic location: 2p23.2.
Variant type: single nucleotide variant.
Coding change: c.2266G>A on transcript NM_004304.5 (MANE Select); coding-DNA position 2266, G replaced by A.
Protein change: p.Gly756Ser; replaces glycine 756 with serine.
Molecular consequence: missense variant.
Genome position (GRCh38, 1-based): chr2:29,239,769, C>T on the plus strand (G>A on the coding strand, the complement: ALK is on the minus strand). VCF-style: chr2-29239769-C-T. GRCh37 (hg19) VCF-style: chr2-29462635-C-T.
Other names: short protein forms G756S.
Identifiers: ClinVar variation 862767 (VCV000862767.16), dbSNP rs747611056, ClinGen allele CA1594375.

ClinVar aggregate classification (germline): Uncertain significance. Review status: criteria provided, multiple submitters, no conflicts (2 of 4 stars). 5 submissions from 5 submitters: Uncertain significance (5). Last evaluated 2026-02-01.

Conditions:
Hereditary cancer-predisposing syndrome. Also called: Tumor predisposition; Hereditary Cancer Syndrome; Neoplastic Syndromes, Hereditary; Hereditary neoplastic syndrome. Identifiers: Orphanet 140162, MedGen C0027672, MeSH D009386, MONDO:0015356.
Neuroblastoma, susceptibility to, 3. Also called: ALK-Related Neuroblastic Tumor Susceptibility. Identifiers: Orphanet 635, MedGen C2751681, MONDO:0013083, OMIM 613014.

Allele frequency attached by ClinVar (database versions not stated): gnomAD exomes 0.00001; ExAC 0.00002; gnomAD 0.00002.
gnomAD v4.1: 19 of 1,613,916 alleles (0.0012%); highest among the groups gnomAD compares: Admixed American, 0.0083%; no homozygotes.

Submissions (5):

Labcorp Genetics (formerly Invitae), Labcorp
Classification: Uncertain significance for Neuroblastoma, susceptibility to, 3. Last evaluated: 2026-02-01. Review status: criteria provided, single submitter. Criteria: Invitae Variant Classification Sherloc (09022015). Collection method: clinical testing. Allele origin: germline.
Comment: This sequence change replaces glycine, which is neutral and non-polar, with serine, which is neutral and polar, at codon 756 of the ALK protein (p.Gly756Ser). The frequency data for this variant in the population databases is considered unreliable, as metrics indicate poor data quality at this position in the gnomAD database. This variant has not been reported in the literature in individuals affected with ALK-related conditions. ClinVar contains an entry for this variant (Variation ID: 862767). An algorithm developed to predict the effect of missense changes on protein structure and function (PolyPhen-2) suggests that this variant is likely to be disruptive. In summary, the available evidence is currently insufficient to determine the role of this variant in disease. Therefore, it has been classified as a Variant of Uncertain Significance.

GeneDx
Classification: Uncertain significance. Last evaluated: 2025-04-18. Review status: criteria provided, single submitter. Criteria: GeneDx Variant Classification Process June 2021. Collection method: clinical testing. Allele origin: germline. Affected: yes.
Comment: Not observed at significant frequency in large population cohorts (gnomAD); In silico analysis supports that this missense variant has a deleterious effect on protein structure/function; Has not been previously published as pathogenic or benign to our knowledge; This variant is associated with the following publications: (PMID: 35554535)

Ambry Genetics
Classification: Uncertain significance for Hereditary cancer-predisposing syndrome. Last evaluated: 2024-10-12. Review status: criteria provided, single submitter. Criteria: Ambry Variant Classification Scheme 2023. Collection method: clinical testing. Allele origin: germline.
Comment: The p.G756S variant (also known as c.2266G>A), located in coding exon 13 of the ALK gene, results from a G to A substitution at nucleotide position 2266. The glycine at codon 756 is replaced by serine, an amino acid with similar properties. This amino acid position is conserved. In addition, this alteration is predicted to be deleterious by in silico analysis. Since supporting evidence is limited at this time, the clinical significance of this alteration remains unclear.

Baylor Genetics
Classification: Uncertain significance for Neuroblastoma, susceptibility to, 3. Last evaluated: 2023-07-01. Review status: criteria provided, single submitter. Criteria: ACMG Guidelines, 2015. Collection method: clinical testing. Allele origin: unknown.

Department of Pathology and Laboratory Medicine, Sinai Health System
Classification: Uncertain significance for neuroblastoma, susceptibility to, 3. Last evaluated: 2020-06-17. Review status: criteria provided, single submitter. Criteria: ACMG Guidelines, 2015. Collection method: research. Allele origin: germline.